The following is an entry in ClinVar:

ClinVar aggregate classification (germline): Likely pathogenic (0 of 4 stars; one submission).

Conditions:
Neuronal ceroid lipofuscinosis 3 (CLN3). Identifiers: Orphanet 228346, MedGen C0751383, MONDO:0008767, OMIM 204200.

Submission:

Juha Muilu Group; Institute for Molecular Medicine Finland (FIMM)
Classification: Likely pathogenic for Juvenile neuronal ceroid lipofuscinosis. Review status: no assertion criteria provided. Collection method: not provided. Allele origin: unknown.
Comment: FinDis database variant: This variant was not found or characterized by our laboratory, data were collected from public sources: see reference
ClinVar note: Converted during submission from probable-pathogenic to Likely pathogenic.

NM_001042432.2(CLN3):c.560G>C (p.Gly187Ala)

Gene: CLN3 (CLN3 lysosomal/endosomal transmembrane protein, battenin; minus strand). Cytogenetic location: 16p12.1.
Variant type: single nucleotide variant.
Coding change: c.560G>C on transcript NM_001042432.2 (MANE Select); coding-DNA position 560, G replaced by C.
Protein change: p.Gly187Ala; replaces glycine 187 with alanine.
Molecular consequence: missense variant.
Genome position (GRCh38, 1-based): chr16:28,486,464, C>G on the plus strand (G>C on the coding strand, the complement: CLN3 is on the minus strand). VCF-style: chr16-28486464-C-G. GRCh37 (hg19) VCF-style: chr16-28497785-C-G.
Other names: c.560G>C, p.Gly187Ala (NM_000086.2); c.488G>C, p.Gly163Ala (NM_001286104.2); c.260G>C, p.Gly87Ala (NM_001286105.2); c.326G>C, p.Gly109Ala (NM_001286109.2); c.398G>C, p.Gly133Ala (NM_001286110.2); short protein forms G187A, G163A, G109A, G87A, G133A.
Identifiers: ClinVar variation 56281 (VCV000056281.2), dbSNP rs386833730, ClinGen allele CA263703.